The following is an entry in ClinVar:

ClinVar aggregate classification (germline): Uncertain significance (1 of 4 stars; one submission).

Submission:

GeneDx
Classification: Uncertain significance. Last evaluated: 2026-08-25. Review status: criteria provided, single submitter. Criteria: GeneDx Variant Classification Process June 2021. Collection method: clinical testing. Allele origin: germline.
Comment: Not observed at significant frequency in large population cohorts (gnomAD); In silico analysis supports that this missense variant has a deleterious effect on protein structure/function; Has not been previously published as pathogenic or benign to our knowledge

NM_170606.3(KMT2C):c.2838G>T (p.Leu946Phe)

Gene: KMT2C (lysine methyltransferase 2C; minus strand). Cytogenetic location: 7q36.1.
Variant type: single nucleotide variant.
Coding change: c.2838G>T on transcript NM_170606.3 (MANE Select); coding-DNA position 2838, G replaced by T.
Protein change: p.Leu946Phe; replaces leucine 946 with phenylalanine.
Molecular consequence: missense variant.
Genome position (GRCh38, 1-based): chr7:152,230,253, C>A on the plus strand (G>T on the coding strand, the complement: KMT2C is on the minus strand). VCF-style: chr7-152230253-C-A. GRCh37 (hg19) VCF-style: chr7-151927338-C-A.
Other names: short protein forms L946F.
Identifiers: ClinVar variation 3893559 (VCV003893559.2).